The following is an entry in ClinVar:

ClinVar aggregate classification (germline): Uncertain significance (1 of 4 stars; one submission).

Submission:

Labcorp Genetics (formerly Invitae), Labcorp
Classification: Uncertain significance. Last evaluated: 2025-07-28. Review status: criteria provided, single submitter. Criteria: Invitae Variant Classification Sherloc (09022015). Collection method: clinical testing. Allele origin: germline.
Comment: This sequence change replaces glycine, which is neutral and non-polar, with cysteine, which is neutral and slightly polar, at codon 469 of the ABCA4 protein (p.Gly469Cys). This variant is not present in population databases (gnomAD no frequency). This variant has not been reported in the literature in individuals affected with ABCA4-related conditions. ClinVar contains an entry for this variant (Variation ID: 971611). Invitae Evidence Modeling of protein sequence and biophysical properties (such as structural, functional, and spatial information, amino acid conservation, physicochemical variation, residue mobility, and thermodynamic stability) indicates that this missense variant is expected to disrupt ABCA4 protein function with a positive predictive value of 95%. In summary, the available evidence is currently insufficient to determine the role of this variant in disease. Therefore, it has been classified as a Variant of Uncertain Significance.

NM_000350.3(ABCA4):c.1405G>T (p.Gly469Cys)

Gene: ABCA4 (ATP binding cassette subfamily A member 4; minus strand). Cytogenetic location: 1p22.1.
Variant type: single nucleotide variant.
Coding change: c.1405G>T on transcript NM_000350.3 (MANE Select); coding-DNA position 1405, G replaced by T.
Protein change: p.Gly469Cys; replaces glycine 469 with cysteine.
Molecular consequence: missense variant.
Genome position (GRCh38, 1-based): chr1:94,077,839, C>A on the plus strand (G>T on the coding strand, the complement: ABCA4 is on the minus strand). VCF-style: chr1-94077839-C-A. GRCh37 (hg19) VCF-style: chr1-94543395-C-A.
Other names: c.1405G>T, p.Gly469Cys (NM_001425324.1); short protein forms G469C.
Identifiers: ClinVar variation 971611 (VCV000971611.8), dbSNP rs1661578472, ClinGen allele CA341282108.